The following is an entry in ClinVar:

NM_001114753.3(ENG):c.1076T>A (p.Ile359Asn)

Gene: ENG (endoglin; minus strand). Cytogenetic location: 9q34.11.
Variant type: single nucleotide variant.
Coding change: c.1076T>A on transcript NM_001114753.3 (MANE Select); coding-DNA position 1076, T replaced by A.
Protein change: p.Ile359Asn; replaces isoleucine 359 with asparagine.
Molecular consequence: missense variant.
Genome position (GRCh38, 1-based): chr9:127,824,362, A>T on the plus strand (T>A on the coding strand, the complement: ENG is on the minus strand). VCF-style: chr9-127824362-A-T. GRCh37 (hg19) VCF-style: chr9-130586641-A-T.
Other names: c.1076T>A, p.Ile359Asn (NM_000118.4, NM_001406715.1); c.530T>A, p.Ile177Asn (NM_001278138.2); short protein forms I177N, I359N.
Identifiers: ClinVar variation 1370851 (VCV001370851.9), dbSNP rs2131885879, ClinGen allele CA374980772.
Genomic context (GRCh38, chr9:127,824,362, plus strand): 5'-ACCGCAACAAGCTCTTTCTTTAGTACCAGGGTCATGGCGTCGTCGGCACACTTTGTCTGG[A>T]TCAAGGACATGAGCAGCTCCGGGCTACAAGTGTCCTTGGGAGGAGTGGTCTGGATCGGTG-3'
Protein context (NP_001108225.1, residues 349-369): TCSPELLMSL[Ile359Asn]QTKCADDAMT

ClinVar aggregate classification (germline): Uncertain significance (1 of 4 stars; one submission).

Conditions:
Hereditary hemorrhagic telangiectasia (HHT). Also called: ORW DISEASE; Osler Weber Rendu syndrome; OSLER-RENDU-WEBER DISEASE; Osler hemorrhagic telangiectasia syndrome. Identifiers: Orphanet 774, MedGen C0039445, MONDO:0019180. Disease mechanism: loss of function.

Submission:

Labcorp Genetics (formerly Invitae), Labcorp
Classification: Uncertain significance for Hereditary hemorrhagic telangiectasia. Last evaluated: 2021-03-11. Review status: criteria provided, single submitter. Criteria: Invitae Variant Classification Sherloc (09022015). Collection method: clinical testing. Allele origin: germline.
Comment: This variant has not been reported in the literature in individuals with ENG-related conditions. This variant is not present in population databases (ExAC no frequency). This sequence change replaces isoleucine with asparagine at codon 359 of the ENG protein (p.Ile359Asn). The isoleucine residue is moderately conserved and there is a large physicochemical difference between isoleucine and asparagine. Algorithms developed to predict the effect of missense changes on protein structure and function are either unavailable or do not agree on the potential impact of this missense change (SIFT: "Deleterious"; PolyPhen-2: "Possibly Damaging"; Align-GVGD: "Class C0"). In summary, the available evidence is currently insufficient to determine the role of this variant in disease. Therefore, it has been classified as a Variant of Uncertain Significance.